The following is an entry in ClinVar:

NM_001875.5(CPS1):c.3481-25G>A

Gene: CPS1 (carbamoyl-phosphate synthase 1; plus strand). Cytogenetic location: 2q34.
Variant type: single nucleotide variant.
Coding change: c.3481-25G>A on transcript NM_001875.5 (MANE Select); 25 bases into the intron before coding-DNA position 3481, G replaced by A.
Molecular consequence: intron variant.
Genome position (GRCh38, 1-based): chr2:210,654,000, G>A. VCF-style: chr2-210654000-G-A. GRCh37 (hg19) VCF-style: chr2-211518724-G-A.
Other names: p.?; c.3481-25G>A (NM_001369257.1, NM_001122633.3); c.3514-25G>A (NM_001369256.1).
Identifiers: ClinVar variation 1191010 (VCV001191010.4), dbSNP rs141998607, ClinGen allele CA2086964.
Genomic context (GRCh38, chr2:210,654,000, plus strand): 5'-TATAATACTTAAAGTACATGGCTTATTGACACTATATACATAGCGTTAGCTAAATGTTCG[G>A]CTCCTCTGTTTTCCTTCGTGACAGGAGCACCCAGTGGTGCTGACAAAATTTGTTGAAGGG-3'

ClinVar aggregate classification (germline): Benign/Likely benign. Review status: criteria provided, multiple submitters, no conflicts (2 of 4 stars). 3 submissions from 3 submitters: Benign (1); Likely benign (2). Last evaluated 2024-05-17.

Allele frequency attached by ClinVar (database versions not stated): gnomAD exomes 0.02031 and 0.01203; 1000 Genomes Project 0.00699; ExAC 0.01136; gnomAD 0.01269 and 0.01354; TOPMed 0.01542; 1000 Genomes Project 30x 0.00671; ESP Exome Variant Server 0.01553.

Submissions (3):

Mayo Clinic Laboratories, Mayo Clinic
Classification: Benign. Last evaluated: 2024-05-17. Review status: criteria provided, single submitter. Criteria: ACMG Guidelines, 2015. Collection method: clinical testing. Allele origin: germline. Observed: 4 variant alleles.
Comment: BA1, BS2

GeneDx
Classification: Likely benign. Last evaluated: 2018-06-29. Review status: criteria provided, single submitter. Criteria: GeneDx Variant Classification Process June 2021. Collection method: clinical testing. Allele origin: germline. Affected: yes.

Breakthrough Genomics
Classification: Likely benign. Review status: criteria provided, single submitter. Criteria: ACMG Guidelines, 2015. Collection method: not provided. Allele origin: germline. Inheritance: Autosomal recessive inheritance. Affected: yes.